The following is an entry in ClinVar:

NM_007126.5(VCP):c.523A>G (p.Ile175Val)

Gene: VCP (valosin containing protein; minus strand). Cytogenetic location: 9p13.3.
Variant type: single nucleotide variant.
Coding change: c.523A>G on transcript NM_007126.5 (MANE Select); coding-DNA position 523, A replaced by G.
Protein change: p.Ile175Val; replaces isoleucine 175 with valine.
Molecular consequence: missense variant.
Genome position (GRCh38, 1-based): chr9:35,065,304, T>C on the plus strand (A>G on the coding strand, the complement: VCP is on the minus strand). VCF-style: chr9-35065304-T-C. GRCh37 (hg19) VCF-style: chr9-35065301-T-C.
Other names: c.388A>G, p.Ile130Val (NM_001354927.2, NM_001354928.2); short protein forms I130V, I175V.
Identifiers: ClinVar variation 942537 (VCV000942537.8), dbSNP rs1828806031, ClinGen allele CA373289133.

ClinVar aggregate classification (germline): Uncertain significance (1 of 4 stars; one submission).

Conditions:
Frontotemporal dementia and/or amyotrophic lateral sclerosis 6 (FTDALS6). Also called: VCP-Related Amyotrophic Lateral Sclerosis; VCP-Related Amyotrophic Lateral Sclerosis/Frontotemporal Dementia. Identifiers: Orphanet 275872, Orphanet 803, MedGen C5436279, MONDO:0013501, OMIM 613954.
Inclusion body myopathy with Paget disease of bone and frontotemporal dementia. Also called: Inclusion body myopathy with early-onset Paget disease and frontotemporal dementia. Identifiers: Orphanet 52430, MedGen C1833662, MONDO:0000507.

Submission:

Labcorp Genetics (formerly Invitae), Labcorp
Classification: Uncertain significance for Inclusion body myopathy with Paget disease of bone and frontotemporal dementia; Frontotemporal dementia and/or amyotrophic lateral sclerosis 6. Last evaluated: 2019-06-18. Review status: criteria provided, single submitter. Criteria: Invitae Variant Classification Sherloc (09022015). Collection method: clinical testing. Allele origin: germline.
Comment: In summary, the available evidence is currently insufficient to determine the role of this variant in disease. Therefore, it has been classified as a Variant of Uncertain Significance. Algorithms developed to predict the effect of missense changes on protein structure and function (SIFT, PolyPhen-2, Align-GVGD) all suggest that this variant is likely to be tolerated, but these predictions have not been confirmed by published functional studies and their clinical significance is uncertain. This variant has not been reported in the literature in individuals with VCP-related conditions. This variant is not present in population databases (ExAC no frequency). This sequence change replaces isoleucine with valine at codon 175 of the VCP protein (p.Ile175Val). The isoleucine residue is highly conserved and there is a small physicochemical difference between isoleucine and valine.